The following is an entry in ClinVar:

ClinVar aggregate classification (germline): Likely benign (1 of 4 stars; one submission).

gnomAD v4.1: 3 of 1,493,520 alleles (0.0002%); highest among the groups gnomAD compares: Non-Finnish European, 0.00028%; no homozygotes.

Submission:

Mayo Clinic Laboratories, Mayo Clinic
Classification: Likely benign. Last evaluated: 2025-07-14. Review status: criteria provided, single submitter. Criteria: ACMG Guidelines, 2015. Collection method: clinical testing. Allele origin: germline. Observed: 1 variant allele.
Comment: BP4, BP7

NM_015160.3(PMPCA):c.354+7A>T

Gene: PMPCA (peptidase, mitochondrial processing subunit alpha; plus strand). Cytogenetic location: 9q34.3.
Variant type: single nucleotide variant.
Coding change: c.354+7A>T on transcript NM_015160.3 (MANE Select); 7 bases into the intron after coding-DNA position 354, A replaced by T.
Molecular consequence: intron variant.
Genome position (GRCh38, 1-based): chr9:136,412,576, A>T. VCF-style: chr9-136412576-A-T. GRCh37 (hg19) VCF-style: chr9-139307028-A-T.
Other names: p.?; c.56+7A>T (NM_001282946.2, NM_001282944.2).
Identifiers: ClinVar variation 4683466 (VCV004683466.1).
Genomic context (GRCh38, chr9:136,412,576, plus strand): 5'-GAAGCGAAATACCTTAGTGGAATTGCTCACTTTTTGGAAAAATTGGCATTTTCGGTCAGT[A>T]CCCAGTTTTGTAATTTTTTAGACTATACTTTTGAAGGATGTTTGAGATTTTTCTTGTCTA-3'